The following is an entry in ClinVar:

ClinVar aggregate classification (germline): Benign. Review status: criteria provided, multiple submitters, no conflicts (2 of 4 stars). 3 submissions from 3 submitters: Benign (2). 1 of the submissions does not count toward it. Last evaluated 2025-08-18.

Conditions:
PKD1L1-related disorder. Also called: PKD1L1-related condition.

Allele frequency attached by ClinVar (database versions not stated): gnomAD exomes 0.00064; ExAC 0.00073; gnomAD 0.00194 and 0.00203; TOPMed 0.00241; 1000 Genomes Project 30x 0.00250; 1000 Genomes Project 0.00260; ESP Exome Variant Server 0.00269.
gnomAD v4.1: 604 of 1,614,146 alleles (0.037%); highest among the groups gnomAD compares: African/African-American, 0.66%; 4 homozygotes.

Submissions (3):

Labcorp Genetics (formerly Invitae), Labcorp
Classification: Benign. Last evaluated: 2025-08-18. Review status: criteria provided, single submitter. Criteria: Invitae Variant Classification Sherloc (09022015). Collection method: clinical testing. Allele origin: germline.

Breakthrough Genomics
Classification: Benign. Review status: criteria provided, single submitter. Criteria: ACMG Guidelines, 2015. Collection method: not provided. Allele origin: germline. Inheritance: Autosomal recessive inheritance. Affected: yes.

PreventionGenetics, part of Exact Sciences
Classification: Benign for PKD1L1-related condition. Last evaluated: 2019-10-28. Review status: no assertion criteria provided. Collection method: clinical testing. Allele origin: germline. Not counted in ClinVar's aggregate classification.
Comment: This variant is classified as benign based on ACMG/AMP sequence variant interpretation guidelines (Richards et al. 2015 PMID: 25741868, with internal and published modifications).

NM_138295.5(PKD1L1):c.1011C>G (p.His337Gln)

Gene: PKD1L1 (polycystin 1 like 1, transient receptor potential channel interacting; minus strand). Cytogenetic location: 7p12.3.
Variant type: single nucleotide variant.
Coding change: c.1011C>G on transcript NM_138295.5 (MANE Select); coding-DNA position 1011, C replaced by G.
Protein change: p.His337Gln; replaces histidine 337 with glutamine.
Molecular consequence: missense variant.
Genome position (GRCh38, 1-based): chr7:47,929,253, G>C on the plus strand (C>G on the coding strand, the complement: PKD1L1 is on the minus strand). VCF-style: chr7-47929253-G-C. GRCh37 (hg19) VCF-style: chr7-47968850-G-C.
Other names: short protein forms H337Q.
Identifiers: ClinVar variation 776230 (VCV000776230.12), dbSNP rs148481862, ClinGen allele CA4254180.